The following is an entry in ClinVar:

NM_000202.8(IDS):c.737del (p.Asn246fs)

Genes: IDS (iduronate 2-sulfatase; minus strand), LOC106050102 (IDS recombination region; plus strand). Cytogenetic location: Xq28.
Variant type: Deletion.
Coding change: c.737del on transcript NM_000202.8 (MANE Select); coding-DNA position 737, one base deleted (A; older notation c.737delA).
Protein change: p.Asn246fs; shifts the reading frame from asparagine 246.
Molecular consequence: frameshift variant. On other transcripts: non-coding transcript variant (1).
Genome position (GRCh38, 1-based): chrX:149,496,488, T deleted on the plus strand (A on the coding strand, the reverse complement: IDS is on the minus strand); the first of 2 consecutive T bases (chrX:149,496,488-149,496,489); deleting either gives the same sequence. VCF-style (leftmost placement, unchanged base first): chrX-149496487-GT-G. GRCh37 (hg19) VCF-style: chrX-148578018-GT-G.
Other names: c.467del, p.Asn156fs (NM_001166550.4); c.737del, p.Asn246fs (NM_006123.5); c.736_736delA (NM_000202.8); short protein forms N156fs, N246fs.
Identifiers: ClinVar variation 1065312 (VCV001065312.4), dbSNP rs2124042006, ClinGen allele CA2499226421.

ClinVar aggregate classification (germline): Pathogenic. Review status: criteria provided, single submitter (1 of 4 stars). 2 submissions from 2 submitters: Pathogenic (1). 1 of the submissions does not count toward it. Last evaluated 2024-06-07.

Conditions:
Mucopolysaccharidosis, MPS-II (MPS2). Also called: IDS deficiency; Sulfoiduronate sulfatase deficiency; SIDS deficiency; Hunter Syndrome; IDURONATE 2-SULFATASE DEFICIENCY; Mucopolysaccharidosis Type II. Identifiers: Orphanet 580, Orphanet 79388, MedGen C0026705, MONDO:0010674, OMIM 309900.

Submissions (2):

Laboratory of Diagnosis and Therapy of Lysosomal Disorders, University of Padova
Classification: Pathogenic for Mucopolysaccharidosis, MPS-II. Last evaluated: 2024-06-07. Review status: criteria provided, single submitter. Criteria: ACMG Guidelines, 2015. Collection method: literature only. Allele origin: germline. Affected: yes. Observed: 1 variant allele.
Comment: Null variant (PVS1_VeryStrong), Absent from controls (or at low frequency) in gnomAD database (PM2_Moderate), Patient’s phenotype or family history highly specific for the disease (PP4_Moderate)

Classification method: ACMG Guidelines [PMID:25741868] with modifications

Division of Medical Genetics, Department of Pediatrics, All India Institute of Medical Sciences, New Delhi
Classification: Likely pathogenic for Mucopolysaccharidosis, MPS-II. Last evaluated: 2014-08-01. Review status: no assertion criteria provided. Collection method: research. Allele origin: germline. Inheritance: X-linked recessive inheritance. Affected: yes. Observed: 1 variant allele, 1 hemizygote. Not counted in ClinVar's aggregate classification.
Comment: The change c.736_736delA (p.N246Tfs*34) was found to be a novel small frame-shift deletion variant, where a single base deletion leads to frameshift change in the ORF of the translated peptide leading to the substitution of a polar neutral amino acid Asparagine at 246 position by hydroxyl-containing polar neutral amino acid Threonine. This leads to change in peptide sequence and formation of a stop codon change after 34 amino acid downstream of the variant. In silico analysis by the web tool Mutation Taster characterise it as a "Disease causing" pathogenic variant.

Literature cited by the submitters: PubMed 35144014 (cited by Laboratory of Diagnosis and Therapy of Lysosomal Disorders, University of Padova).